The following is an entry in ClinVar:

ClinVar aggregate classification (germline): Uncertain significance (1 of 4 stars; one submission).

Submission:

GeneDx
Classification: Uncertain significance. Last evaluated: 2025-02-24. Review status: criteria provided, single submitter. Criteria: GeneDx Variant Classification Process June 2021. Collection method: clinical testing. Allele origin: germline. Affected: yes.
Comment: Not observed at significant frequency in large population cohorts (gnomAD); Missense variant in a gene in which most reported pathogenic variants are truncating/loss of function; Has not been previously published as pathogenic or benign to our knowledge

NM_001267550.2(TTN):c.16705G>C (p.Gly5569Arg)

Gene: TTN (titin; minus strand). Cytogenetic location: 2q31.2.
Variant type: single nucleotide variant.
Coding change: c.16705G>C on transcript NM_001267550.2 (MANE Select); coding-DNA position 16705, G replaced by C.
Protein change: p.Gly5569Arg; replaces glycine 5569 with arginine.
Molecular consequence: missense variant. On other transcripts: intron variant (3).
Genome position (GRCh38, 1-based): chr2:178,732,264, C>G on the plus strand (G>C on the coding strand, the complement: TTN is on the minus strand). VCF-style: chr2-178732264-C-G. GRCh37 (hg19) VCF-style: chr2-179596991-C-G.
Other names: c.15754G>C, p.Gly5252Arg (NM_001256850.1); c.12973G>C, p.Gly4325Arg (NM_133378.4); c.13282+5818G>C (NM_003319.4); c.13858+5818G>C (NM_133437.4); c.13657+5818G>C (NM_133432.3); short protein forms G4325R, G5252R, G5569R.
Identifiers: ClinVar variation 4076537 (VCV004076537.1).